The following is an entry in ClinVar:

ClinVar aggregate classification (germline): Benign. Review status: criteria provided, multiple submitters, no conflicts (2 of 4 stars). 7 submissions from 7 submitters: Benign (7). Last evaluated 2026-02-03.

Conditions:
Familial pulmonary capillary hemangiomatosis (PVOD2). Also called: Pulmonary venoocclusive disease 2, autosomal recessive; Pulmonary venoocclusive disease 2. Identifiers: Orphanet 199241, MedGen C0340848, MONDO:0009329, OMIM 234810.

Allele frequency attached by ClinVar (database versions not stated): ExAC 0.34593; gnomAD 0.34768 and 0.35044; TOPMed 0.34812; gnomAD exomes 0.35326 and 0.34119; ESP Exome Variant Server 0.35547; 1000 Genomes Project 0.30511; 1000 Genomes Project 30x 0.30668.
gnomAD v4.1: 568,878 of 1,611,428 alleles (35%); highest among the groups gnomAD compares: Middle Eastern, 41%; 101,120 homozygotes.

Submissions (7):

Labcorp Genetics (formerly Invitae), Labcorp
Classification: Benign. Last evaluated: 2026-02-03. Review status: criteria provided, single submitter. Criteria: Invitae Variant Classification Sherloc (09022015). Collection method: clinical testing. Allele origin: germline.

ARUP Laboratories, Molecular Genetics and Genomics, ARUP Laboratories
Classification: Benign for Familial pulmonary capillary hemangiomatosis. Last evaluated: 2025-07-03. Review status: criteria provided, single submitter. Criteria: ARUP Molecular Germline Variant Investigation Process 2024. Collection method: clinical testing. Allele origin: germline.

Blueprint Genetics
Classification: Benign. Last evaluated: 2024-11-27. Review status: criteria provided, single submitter. Criteria: ACMG Guidelines, 2015. Collection method: clinical testing. Allele origin: germline.

Genome-Nilou Lab
Classification: Benign for Familial pulmonary capillary hemangiomatosis. Last evaluated: 2021-07-30. Review status: criteria provided, single submitter. Criteria: ACMG Guidelines, 2015. Collection method: clinical testing. Allele origin: germline. Affected: no.

GeneDx
Classification: Benign. Last evaluated: 2016-11-03. Review status: criteria provided, single submitter. Criteria: GeneDx Variant Classification (06012015). Collection method: clinical testing. Allele origin: germline. Affected: yes.
Comment: This variant is considered likely benign or benign based on one or more of the following criteria: it is a conservative change, it occurs at a poorly conserved position in the protein, it is predicted to be benign by multiple in silico algorithms, and/or has population frequency not consistent with disease.

Laboratory for Molecular Medicine, Mass General Brigham Personalized Medicine
Classification: Benign. Last evaluated: 2016-03-28. Review status: criteria provided, single submitter. Criteria: LMM Criteria. Collection method: clinical testing. Allele origin: germline.
Comment: Variant identified in a genome or exome case(s) and assessed due to predicted null impact of the variant or pathogenic assertions in the literature or databases. Disclaimer: This variant has not undergone full assessment. The following are preliminary notes: Frequency

Breakthrough Genomics
Classification: Benign. Review status: criteria provided, single submitter. Criteria: ACMG Guidelines, 2015. Collection method: not provided. Allele origin: germline. Inheritance: Autosomal recessive inheritance. Affected: yes.

NM_001013703.4(EIF2AK4):c.4215C>T (p.Gly1405=)

Gene: EIF2AK4 (eukaryotic translation initiation factor 2 alpha kinase 4; plus strand). Cytogenetic location: 15q15.1.
Variant type: single nucleotide variant.
Coding change: c.4215C>T on transcript NM_001013703.4 (MANE Select); coding-DNA position 4215, C replaced by T.
Protein change: p.Gly1405=; no amino-acid change (glycine 1405 retained).
Molecular consequence: synonymous variant.
Genome position (GRCh38, 1-based): chr15:40,020,940, C>T. VCF-style: chr15-40020940-C-T. GRCh37 (hg19) VCF-style: chr15-40313141-C-T.
Identifiers: ClinVar variation 381184 (VCV000381184.31), dbSNP rs3207297, ClinGen allele CA7474553.